The following is an entry in ClinVar:

ClinVar aggregate classification (germline): Uncertain significance (1 of 4 stars; one submission).

gnomAD v4.1: 1 of 1,585,156 alleles (0.000063%); highest among the groups gnomAD compares: South Asian, 0.0011%; no homozygotes.

Submission:

Labcorp Genetics (formerly Invitae), Labcorp
Classification: Uncertain significance. Last evaluated: 2025-09-10. Review status: criteria provided, single submitter. Criteria: Invitae Variant Classification Sherloc (09022015). Collection method: clinical testing. Allele origin: germline.
Comment: This sequence change affects codon 119 of the POMP mRNA. It is a 'silent' change, meaning that it does not change the encoded amino acid sequence of the POMP protein. It affects a nucleotide within the consensus splice site. This variant is not present in population databases (gnomAD no frequency). This variant has not been reported in the literature in individuals affected with POMP-related conditions. Algorithms developed to predict the effect of sequence changes on RNA splicing suggest that this variant is not likely to affect RNA splicing. In summary, the available evidence is currently insufficient to determine the role of this variant in disease. Therefore, it has been classified as a Variant of Uncertain Significance.

NM_015932.6(POMP):c.357T>C (p.Asn119=)

Gene: POMP (proteasome maturation protein; plus strand). Cytogenetic location: 13q12.3.
Variant type: single nucleotide variant.
Coding change: c.357T>C on transcript NM_015932.6 (MANE Select); coding-DNA position 357, T replaced by C.
Protein change: p.Asn119=; no amino-acid change (asparagine 119 retained).
Molecular consequence: synonymous variant.
Genome position (GRCh38, 1-based): chr13:28,672,431, T>C. VCF-style: chr13-28672431-T-C. GRCh37 (hg19) VCF-style: chr13-29246568-T-C.
Identifiers: ClinVar variation 4711045 (VCV004711045.1).
Genomic context (GRCh38, chr13:28,672,431, plus strand): 5'-TCTTTCACTGGATGTTTTGAGGGGTAATGATGAGACTATTGGATTTGAGGATATTCTTAA[T>C]GGTAAGTGTCATTCAGCACCTTTTTATGGAGCCCTTGTAATTTAAAAGGCAAACAGCTGC-3'
Protein context (NP_057016.1, residues 109-129): DETIGFEDIL[Asn119=]DPSQSEVMGE